The following is an entry in ClinVar:

ClinVar aggregate classification (germline): Pathogenic (1 of 4 stars; one submission).

Submission:

Quest Diagnostics Nichols Institute San Juan Capistrano
Classification: Pathogenic. Last evaluated: 2023-12-18. Review status: criteria provided, single submitter. Criteria: ACMG/ClinGen CNV Guidelines, 2019. Collection method: clinical testing. Allele origin: unknown.
Comment: Copy number gains within or overlapping the current interval have been reported in association with variable clinical features (Blanco-Verea 2023, Giannikou 2012, Pelgrims 2023, Turkdogan 2021). There are no similar copy number gains of this region reported in the general populations of the Database of Genomic Variants. Based on current medical literature and gene count, this copy number variant is classified as pathogenic. References: Blanco-Verea et al., Mol Diagn Ther. 2023 Jan;27(1):105-113. PMID: 36454422; Giannikou et al., Gene. 2012 Sep 15;506(2):360-8. PMID: 22766398; Pelgrims et al., Am J Med Genet A. 2023 Jul;191(7):1889-1899. PMID: 37129290; Turkdogan et al., Int J Neurosci. 2023 Jul;133(7):683-700. PMID: 34380004

GRCh37/hg19 1p36.33-36.32(chr1:849467-3153423)x3

Genes: TMEM240 (transmembrane protein 240; minus strand), TMEM52 (transmembrane protein 52; minus strand), TNFRSF14 (TNF receptor superfamily member 14; plus strand), TNFRSF18 (TNF receptor superfamily member 18; minus strand), TNFRSF4 (TNF receptor superfamily member 4; minus strand) and 61 more. Cytogenetic location: 1p36.33-36.32.
Variant type: copy number gain.
Change: copy number 3 (three copies instead of two) of chr1:849,467-3,153,423 (2.30 Mb, GRCh37 coordinates, 1-based), cytogenetic band 1p36.33-36.32.
Identifiers: ClinVar variation 3391839 (VCV003391839.1).